The following is an entry in ClinVar:

ClinVar aggregate classification (germline): Uncertain significance (1 of 4 stars; one submission).

Conditions:
Thrombophilia due to protein C deficiency, autosomal dominant. Also called: PROC DEFICIENCY, AUTOSOMAL DOMINANT; PROTEIN C DEFICIENCY, AUTOSOMAL DOMINANT. Identifiers: Orphanet 745, MedGen C2674321, MONDO:0008316, OMIM 176860. Disease mechanism: loss of function.

Submission:

Labcorp Genetics (formerly Invitae), Labcorp
Classification: Uncertain significance for Thrombophilia due to protein C deficiency, autosomal dominant. Last evaluated: 2023-10-17. Review status: criteria provided, single submitter. Criteria: Invitae Variant Classification Sherloc (09022015). Collection method: clinical testing. Allele origin: germline.
Comment: This sequence change replaces threonine, which is neutral and polar, with arginine, which is basic and polar, at codon 79 of the PROC protein (p.Thr79Arg). This variant is not present in population databases (gnomAD no frequency). This variant has not been reported in the literature in individuals affected with PROC-related conditions. An algorithm developed to predict the effect of missense changes on protein structure and function (PolyPhen-2) suggests that this variant is likely to be disruptive. In summary, the available evidence is currently insufficient to determine the role of this variant in disease. Therefore, it has been classified as a Variant of Uncertain Significance.

NM_000312.4(PROC):c.236C>G (p.Thr79Arg)

Gene: PROC (protein C, inactivator of coagulation factors Va and VIIIa; plus strand). Cytogenetic location: 2q14.3.
Variant type: single nucleotide variant.
Coding change: c.236C>G on transcript NM_000312.4 (MANE Select); coding-DNA position 236, C replaced by G.
Protein change: p.Thr79Arg; replaces threonine 79 with arginine.
Molecular consequence: missense variant.
Genome position (GRCh38, 1-based): chr2:127,421,448, C>G. VCF-style: chr2-127421448-C-G. GRCh37 (hg19) VCF-style: chr2-128179024-C-G.
Other names: c.419C>G, p.Thr140Arg (NM_001375602.1); c.299C>G, p.Thr100Arg (NM_001375603.1, NM_001375604.1, NM_001375606.1); c.236C>G, p.Thr79Arg (NM_001375605.1, NM_001375608.1, NM_001375611.1 and 1 more transcripts); c.320C>G, p.Thr107Arg (NM_001375607.1); c.212C>G, p.Thr71Arg (NM_001375609.1); c.230C>G, p.Thr77Arg (NM_001375610.1); short protein forms T100R, T140R, T107R, T71R, T77R, T79R.
Identifiers: ClinVar variation 2745397 (VCV002745397.3), dbSNP rs2468325686, ClinGen allele CA348398210.